The following is an entry in ClinVar:

ClinVar aggregate classification (germline): Uncertain significance (1 of 4 stars; one submission).

Submission:

Labcorp Genetics (formerly Invitae), Labcorp
Classification: Uncertain significance. Last evaluated: 2025-09-10. Review status: criteria provided, single submitter. Criteria: Invitae Variant Classification Sherloc (09022015). Collection method: clinical testing. Allele origin: germline.
Comment: This sequence change replaces methionine, which is neutral and non-polar, with valine, which is neutral and non-polar, at codon 193 of the RIPK1 protein (p.Met193Val). This variant is not present in population databases (gnomAD no frequency). This variant has not been reported in the literature in individuals affected with RIPK1-related conditions. An algorithm developed to predict the effect of missense changes on protein structure and function (PolyPhen-2) suggests that this variant is likely to be disruptive. In summary, the available evidence is currently insufficient to determine the role of this variant in disease. Therefore, it has been classified as a Variant of Uncertain Significance.

NM_001354930.2(RIPK1):c.577A>G (p.Met193Val)

Gene: RIPK1 (receptor interacting serine/threonine kinase 1; plus strand). Cytogenetic location: 6p25.2.
Variant type: single nucleotide variant.
Coding change: c.577A>G on transcript NM_001354930.2 (MANE Select); coding-DNA position 577, A replaced by G.
Protein change: p.Met193Val; replaces methionine 193 with valine.
Molecular consequence: missense variant.
Genome position (GRCh38, 1-based): chr6:3,083,202, A>G. VCF-style: chr6-3083202-A-G. GRCh37 (hg19) VCF-style: chr6-3083436-A-G.
Other names: c.88A>G, p.Met30Val (NM_001317061.3, NM_001354932.2, NM_001354933.2 and 1 more transcripts); c.439A>G, p.Met147Val (NM_001354931.2); c.577A>G, p.Met193Val (NM_003804.6); short protein forms M147V, M193V, M30V.
Identifiers: ClinVar variation 4702835 (VCV004702835.1).
Genomic context (GRCh38, chr6:3,083,202, plus strand): 5'-CACAATGAGCTGAGGGAAGTGGACGGCACCGCTAAGAAGAATGGCGGCACCCTCTACTAC[A>G]TGGCGCCCGAGCACCTGAATGACGTCAACGCAAAGCCCACAGAGAAGTCGGATGTGTACA-3'
Protein context (NP_001341859.1, residues 183-203): AKKNGGTLYY[Met193Val]APEHLNDVNA